The following is an entry in ClinVar:

ClinVar aggregate classification (germline): Uncertain significance (1 of 4 stars; one submission).

Submission:

Labcorp Genetics (formerly Invitae), Labcorp
Classification: Uncertain significance. Last evaluated: 2025-03-16. Review status: criteria provided, single submitter. Criteria: Invitae Variant Classification Sherloc (09022015). Collection method: clinical testing. Allele origin: germline.
Comment: This sequence change replaces glutamine, which is neutral and polar, with histidine, which is basic and polar, at codon 791 of the ADAMTS17 protein (p.Gln791His). This variant is not present in population databases (gnomAD no frequency). This variant has not been reported in the literature in individuals affected with ADAMTS17-related conditions. An algorithm developed to predict the effect of missense changes on protein structure and function (PolyPhen-2) suggests that this variant is likely to be tolerated. In summary, the available evidence is currently insufficient to determine the role of this variant in disease. Therefore, it has been classified as a Variant of Uncertain Significance.

NM_139057.4(ADAMTS17):c.2373A>T (p.Gln791His)

Gene: ADAMTS17 (ADAM metallopeptidase with thrombospondin type 1 motif 17; minus strand). Cytogenetic location: 15q26.3.
Variant type: single nucleotide variant.
Coding change: c.2373A>T on transcript NM_139057.4 (MANE Select); coding-DNA position 2373, A replaced by T.
Protein change: p.Gln791His; replaces glutamine 791 with histidine.
Molecular consequence: missense variant.
Genome position (GRCh38, 1-based): chr15:100,051,654, T>A on the plus strand (A>T on the coding strand, the complement: ADAMTS17 is on the minus strand). VCF-style: chr15-100051654-T-A. GRCh37 (hg19) VCF-style: chr15-100591859-T-A.
Other names: short protein forms Q791H.
Identifiers: ClinVar variation 4714130 (VCV004714130.1).